The following is an entry in ClinVar:

NM_004104.5(FASN):c.5437C>T (p.Leu1813Phe)

Gene: FASN (fatty acid synthase; minus strand). Cytogenetic location: 17q25.3.
Variant type: single nucleotide variant.
Coding change: c.5437C>T on transcript NM_004104.5 (MANE Select); coding-DNA position 5437, C replaced by T.
Protein change: p.Leu1813Phe; replaces leucine 1813 with phenylalanine.
Molecular consequence: missense variant.
Genome position (GRCh38, 1-based): chr17:82,083,330, G>A on the plus strand (C>T on the coding strand, the complement: FASN is on the minus strand). VCF-style: chr17-82083330-G-A. GRCh37 (hg19) VCF-style: chr17-80041206-G-A.
Other names: short protein forms L1813F.
Identifiers: ClinVar variation 4744424 (VCV004744424.1).

ClinVar aggregate classification (germline): Uncertain significance (1 of 4 stars; one submission).

Conditions:
Epileptic encephalopathy. Identifiers: MedGen C0543888, HP:0200134.

gnomAD v4.1: 27 of 1,612,560 alleles (0.0017%); highest among the groups gnomAD compares: South Asian, 0.024%; no homozygotes.

Submission:

Labcorp Genetics (formerly Invitae), Labcorp
Classification: Uncertain significance for Epileptic encephalopathy. Last evaluated: 2025-10-02. Review status: criteria provided, single submitter. Criteria: Invitae Variant Classification Sherloc (09022015). Collection method: clinical testing. Allele origin: germline.
Comment: This sequence change replaces leucine, which is neutral and non-polar, with phenylalanine, which is neutral and non-polar, at codon 1813 of the FASN protein (p.Leu1813Phe). This variant is present in population databases (rs751720814, gnomAD 0.02%). This variant has not been reported in the literature in individuals affected with FASN-related conditions. An algorithm developed to predict the effect of missense changes on protein structure and function (PolyPhen-2) suggests that this variant is likely to be disruptive. In summary, the available evidence is currently insufficient to determine the role of this variant in disease. Therefore, it has been classified as a Variant of Uncertain Significance.